The following is an entry in ClinVar:

NM_005559.4(LAMA1):c.6684A>G (p.Thr2228=)

Gene: LAMA1 (laminin subunit alpha 1; minus strand). Cytogenetic location: 18p11.31.
Variant type: single nucleotide variant.
Coding change: c.6684A>G on transcript NM_005559.4 (MANE Select); coding-DNA position 6684, A replaced by G.
Protein change: p.Thr2228=; no amino-acid change (threonine 2228 retained).
Molecular consequence: synonymous variant.
Genome position (GRCh38, 1-based): chr18:6,973,147, T>C on the plus strand (A>G on the coding strand, the complement: LAMA1 is on the minus strand). VCF-style: chr18-6973147-T-C. GRCh37 (hg19) VCF-style: chr18-6973146-T-C.
Identifiers: ClinVar variation 2042838 (VCV002042838.15), dbSNP rs575458209, ClinGen allele CA8881153.

ClinVar aggregate classification (germline): Likely benign. Review status: criteria provided, multiple submitters, no conflicts (2 of 4 stars). 3 submissions from 3 submitters: Likely benign (3). Last evaluated 2025-05-01.

Allele frequency attached by ClinVar (database versions not stated): TOPMed 0.00001; gnomAD exomes 0.00004; gnomAD 0.00005; ExAC 0.00012; 1000 Genomes Project 30x 0.00016; 1000 Genomes Project 0.00020.
gnomAD v4.1: 68 of 1,614,190 alleles (0.0042%); highest among the groups gnomAD compares: South Asian, 0.056%; no homozygotes.

Submissions (3):

CeGaT Center for Human Genetics Tuebingen
Classification: Likely benign. Last evaluated: 2025-05-01. Review status: criteria provided, single submitter. Criteria: CeGaT Center For Human Genetics Tuebingen Variant Classification Criteria Version 2. Collection method: clinical testing. Allele origin: germline. Affected: yes. Observed: 1 variant allele.
Comment: LAMA1: BP4, BP7

Blueprint Genetics
Classification: Likely benign. Last evaluated: 2024-07-02. Review status: criteria provided, single submitter. Criteria: ACMG Guidelines, 2015. Collection method: clinical testing. Allele origin: germline.

Labcorp Genetics (formerly Invitae), Labcorp
Classification: Likely benign. Last evaluated: 2022-01-12. Review status: criteria provided, single submitter. Criteria: Invitae Variant Classification Sherloc (09022015). Collection method: clinical testing. Allele origin: germline.